The following is an entry in ClinVar:

NM_177438.3(DICER1):c.5552G>C (p.Arg1851Pro)

Gene: DICER1 (dicer 1, ribonuclease III; minus strand). Cytogenetic location: 14q32.13.
Variant type: single nucleotide variant.
Coding change: c.5552G>C on transcript NM_177438.3 (MANE Select); coding-DNA position 5552, G replaced by C.
Protein change: p.Arg1851Pro; replaces arginine 1851 with proline.
Molecular consequence: missense variant. On other transcripts: non-coding transcript variant (6).
Genome position (GRCh38, 1-based): chr14:95,091,085, C>G on the plus strand (G>C on the coding strand, the complement: DICER1 is on the minus strand). VCF-style: chr14-95091085-C-G. GRCh37 (hg19) VCF-style: chr14-95557422-C-G.
Other names: c.5389G>C, p.Val1797Leu (NM_001195573.1); c.5552G>C, p.Arg1851Pro (NM_001271282.3, NM_001291628.2, NM_001395677.1 and 7 more transcripts); c.5270G>C, p.Arg1757Pro (NM_001395686.1); c.5147G>C, p.Arg1716Pro (NM_001395687.1, NM_001395688.1, NM_001395689.1 and 1 more transcripts); c.4985G>C, p.Arg1662Pro (NM_001395691.1); c.3869G>C, p.Arg1290Pro (NM_001395697.1); short protein forms R1716P, R1662P, R1851P, R1290P, R1757P, V1797L.
Identifiers: ClinVar variation 4824646 (VCV004824646.1).

ClinVar aggregate classification (germline): Uncertain significance (1 of 4 stars; one submission).

Conditions:
Hereditary cancer-predisposing syndrome. Also called: Neoplastic Syndromes, Hereditary; Hereditary neoplastic syndrome; Tumor predisposition; Hereditary Cancer Syndrome. Identifiers: Orphanet 140162, MedGen C0027672, MeSH D009386, MONDO:0015356.

Submission:

Ambry Genetics
Classification: Uncertain significance for Hereditary cancer-predisposing syndrome. Last evaluated: 2026-02-16. Review status: criteria provided, single submitter. Criteria: Ambry Variant Classification Scheme 2023. Collection method: clinical testing. Allele origin: germline.
Comment: The p.R1851P variant (also known as c.5552G>C), located in coding exon 25 of the DICER1 gene, results from a G to C substitution at nucleotide position 5552. The arginine at codon 1851 is replaced by proline, an amino acid with dissimilar properties. This amino acid position is conserved. In addition, the in silico prediction for this alteration is inconclusive. Based on the available evidence, the clinical significance of this variant remains unclear.